The following is an entry in ClinVar:

ClinVar aggregate classification (germline): Uncertain significance (1 of 4 stars; one submission).

gnomAD v4.1: 24 of 1,614,114 alleles (0.0015%); highest among the groups gnomAD compares: Admixed American, 0.0033%; no homozygotes.

Submission:

Labcorp Genetics (formerly Invitae), Labcorp
Classification: Uncertain significance. Last evaluated: 2025-09-02. Review status: criteria provided, single submitter. Criteria: Invitae Variant Classification Sherloc (09022015). Collection method: clinical testing. Allele origin: germline.
Comment: This sequence change replaces glutamic acid, which is acidic and polar, with lysine, which is basic and polar, at codon 486 of the SLC1A4 protein (p.Glu486Lys). This variant is present in population databases (rs113579377, gnomAD 0.006%). This variant has not been reported in the literature in individuals affected with SLC1A4-related conditions. ClinVar contains an entry for this variant (Variation ID: 3717830). An algorithm developed to predict the effect of missense changes on protein structure and function (PolyPhen-2) suggests that this variant is likely to be tolerated. In summary, the available evidence is currently insufficient to determine the role of this variant in disease. Therefore, it has been classified as a Variant of Uncertain Significance.

NM_003038.5(SLC1A4):c.1456G>A (p.Glu486Lys)

Gene: SLC1A4 (solute carrier family 1 member 4; plus strand). Cytogenetic location: 2p14.
Variant type: single nucleotide variant.
Coding change: c.1456G>A on transcript NM_003038.5 (MANE Select); coding-DNA position 1456, G replaced by A.
Protein change: p.Glu486Lys; replaces glutamic acid 486 with lysine.
Molecular consequence: missense variant.
Genome position (GRCh38, 1-based): chr2:65,021,003, G>A. VCF-style: chr2-65021003-G-A. GRCh37 (hg19) VCF-style: chr2-65248137-G-A.
Other names: c.562G>A, p.Glu188Lys (NM_001193493.2); c.796G>A, p.Glu266Lys (NM_001348406.2, NM_001348407.2); short protein forms E486K, E188K, E266K.
Identifiers: ClinVar variation 3717830 (VCV003717830.2).